The following is an entry in ClinVar:

NM_000260.4(MYO7A):c.1961G>A (p.Arg654His)

Gene: MYO7A (myosin VIIA; plus strand). Cytogenetic location: 11q13.5.
Variant type: single nucleotide variant.
Coding change: c.1961G>A on transcript NM_000260.4 (MANE Select); coding-DNA position 1961, G replaced by A.
Protein change: p.Arg654His; replaces arginine 654 with histidine.
Molecular consequence: missense variant.
Genome position (GRCh38, 1-based): chr11:77,174,781, G>A. VCF-style: chr11-77174781-G-A. GRCh37 (hg19) VCF-style: chr11-76885827-G-A.
Other names: c.1961G>A, p.Arg654His (NM_001127180.2); c.1928G>A, p.Arg643His (NM_001369365.1); short protein forms R643H, R654H.
Identifiers: ClinVar variation 939527 (VCV000939527.45), dbSNP rs41298143, ClinGen allele CA6197655.
Genomic context (GRCh38, chr11:77,174,781, plus strand): 5'-CTTGGCCCTGATGCCCTTGGCTGTGTGCCTGGCAGCTGTTCGACCGGCACCTGTGCGTGC[G>A]CCAGCTGCGGTACTCAGGAATGATGGAGACCATCCGAATCCGCCGAGCTGGCTACCCCAT-3'
Protein context (NP_000251.3, residues 644-664): PMLFDRHLCV[Arg654His]QLRYSGMMET

ClinVar aggregate classification (germline): Uncertain significance. Review status: criteria provided, multiple submitters, no conflicts (2 of 4 stars). 4 submissions from 4 submitters: Uncertain significance (3). 1 of the submissions does not count toward it. Last evaluated 2024-09-18.

Conditions:
Usher syndrome type 1B (USH1B). Also called: Usher syndrome type IB. Identifiers: MedGen C1848638, MONDO:0700087.

Allele frequency attached by ClinVar (database versions not stated): TOPMed 0.00002; ExAC 0.00005; 1000 Genomes Project 30x 0.00016; 1000 Genomes Project 0.00020.
gnomAD v4.1: 36 of 1,604,408 alleles (0.0022%); highest among the groups gnomAD compares: African/African-American, 0.0027%; no homozygotes.

Submissions (4):

Labcorp Genetics (formerly Invitae), Labcorp
Classification: Uncertain significance. Last evaluated: 2024-09-18. Review status: criteria provided, single submitter. Criteria: Invitae Variant Classification Sherloc (09022015). Collection method: clinical testing. Allele origin: germline.
Comment: This sequence change replaces arginine, which is basic and polar, with histidine, which is basic and polar, at codon 654 of the MYO7A protein (p.Arg654His). The frequency data for this variant in the population databases is considered unreliable, as metrics indicate poor data quality at this position in the gnomAD database. This variant has not been reported in the literature in individuals affected with MYO7A-related conditions. ClinVar contains an entry for this variant (Variation ID: 939527). Invitae Evidence Modeling of protein sequence and biophysical properties (such as structural, functional, and spatial information, amino acid conservation, physicochemical variation, residue mobility, and thermodynamic stability) indicates that this missense variant is not expected to disrupt MYO7A protein function with a negative predictive value of 95%. In summary, the available evidence is currently insufficient to determine the role of this variant in disease. Therefore, it has been classified as a Variant of Uncertain Significance.

CeGaT Center for Human Genetics Tuebingen
Classification: Uncertain significance. Last evaluated: 2021-01-01. Review status: criteria provided, single submitter. Criteria: CeGaT Center For Human Genetics Tuebingen Variant Classification Criteria Version 2. Collection method: clinical testing. Allele origin: germline. Affected: yes. Observed: 1 variant allele.

GeneDx
Classification: Uncertain significance. Last evaluated: 2020-07-06. Review status: criteria provided, single submitter. Criteria: GeneDx Variant Classification Process June 2021. Collection method: clinical testing. Allele origin: germline. Affected: yes.
Comment: In silico analysis supports that this missense variant has a deleterious effect on protein structure/function; Has not been previously published as pathogenic or benign to our knowledge

Natera, Inc.
Classification: Uncertain significance for Usher syndrome type 1B. Last evaluated: 2020-03-17. Review status: no assertion criteria provided. Collection method: clinical testing. Allele origin: germline. Not counted in ClinVar's aggregate classification.